The following is an entry in ClinVar:

NM_021954.4(GJA3):c.1101_1108del (p.Glu367fs)

Gene: GJA3 (gap junction protein alpha 3; minus strand). Cytogenetic location: 13q12.11.
Variant type: Deletion.
Coding change: c.1101_1108del on transcript NM_021954.4 (MANE Select); coding-DNA positions 1101 to 1108, 8 bases deleted (GGCGGGCG; older notation c.1101_1108delGGCGGGCG).
Protein change: p.Glu367fs; shifts the reading frame from glutamic acid 367.
Molecular consequence: frameshift variant.
Genome position (GRCh38, 1-based): chr13:20,142,181-20,142,188, CGCCCGCC deleted on the plus strand (GGCGGGCG on the coding strand, the reverse complement: GJA3 is on the minus strand). VCF-style (leftmost placement, unchanged base first): chr13-20142180-GCGCCCGCC-G. GRCh37 (hg19) VCF-style: chr13-20716319-GCGCCCGCC-G.
Other names: short protein forms E367fs.
Identifiers: ClinVar variation 3381891 (VCV003381891.2).
Genomic context (GRCh38, chr13:20,142,180, plus strand): 5'-GTCCCTGCCAGGGCGCTCCCCTCCAGACTGCTGCCGCTCCCATCCAGCAGCAGGGGCGCC[GCGCCCGCC>G]TCAGCCTCGTGCGCGAGTGGCGGGGAGCTGCTGCCGACGGGGCTGGGGGCTGCAGGCGTG-3'

ClinVar aggregate classification (germline): Uncertain significance (1 of 4 stars; one submission).

Conditions:
Cataract 14 multiple types. Also called: CATARACT 14, ZONULAR PULVERULENT; CATARACT 14, NUCLEAR PULVERULENT; CATARACT 14, NUCLEAR PULVERULENT AND POSTERIOR POLAR; CATARACT 14, NUCLEAR CORALLIFORM; CATARACT 14, EMBRYONAL NUCLEAR; CATARACT 14, COPPOCK-LIKE. Identifiers: Orphanet 91492, MedGen C1866078, MONDO:0011162, OMIM 601885.

Submission:

Juno Genomics, Hangzhou Juno Genomics, Inc
Classification: Uncertain significance for Cataract 14 multiple types. Review status: criteria provided, single submitter. Criteria: ACMG Guidelines, 2015. Collection method: clinical testing. Allele origin: germline. Affected: yes.
Comment: Null variant in a gene where loss of function (LOF) is a known mechanism of disease.;Absent from controls (or at extremely low frequency if recessive) in Genome Aggregation Database, Exome Sequencing Project, 1000 Genomes Project, or Exome Aggregation Consortium.;Patient's phenotype or family history is highly specific for a disease with a single genetic etiology.